The following is an entry in ClinVar:

NM_025114.4(CEP290):c.6764_6767dup (p.Gln2257fs)

Gene: CEP290 (centrosomal protein 290; minus strand). Cytogenetic location: 12q21.32.
Variant type: Duplication.
Coding change: c.6764_6767dup on transcript NM_025114.4 (MANE Select); coding-DNA positions 6764 to 6767, 4 bases duplicated (GTCC; older notation c.6764_6767dupGTCC).
Protein change: p.Gln2257fs; shifts the reading frame from glutamine 2257.
Molecular consequence: frameshift variant.
Genome position (GRCh38, 1-based): chr12:88,058,899-88,058,902, GGAC duplicated on the plus strand (GTCC on the coding strand, the reverse complement: CEP290 is on the minus strand). VCF-style (leftmost placement, unchanged base first): chr12-88058898-T-TGGAC. GRCh37 (hg19) VCF-style: chr12-88452675-T-TGGAC.
Other names: short protein forms Q2257fs.
Identifiers: ClinVar variation 5014311 (VCV005014311.1).

ClinVar aggregate classification (germline): Pathogenic (1 of 4 stars; one submission).

Conditions:
CEP290-related ciliopathy. Also called: CEP290 ciliopathy. Identifiers: MedGen CN305601, MONDO:0100451.

Submission:

Myriad Genetics, Inc.
Classification: Pathogenic for CEP290-related ciliopathy. Last evaluated: 2025-04-07. Review status: criteria provided, single submitter. Criteria: Myriad Autosomal Dominant, Autosomal Recessive and X-Linked Classification Criteria (2023). Collection method: clinical testing. Allele origin: unknown.
Comment: NM_025114.3(CEP290):c.6764_6767dupGTCC(Q2257Sfs*4) is expected to be pathogenic in the context of CEP290-related disorders. This variant is predicted to lead to an abnormal or absent protein product due to the creation of a premature termination codon in CEP290, a gene where loss-of-function variants are known to be pathogenic. Please note: this variant was assessed in the context of healthy population screening.